The following is an entry in ClinVar:

NM_032898.5(CEP19):c.271G>C (p.Glu91Gln)

Gene: CEP19 (centrosomal protein 19; minus strand). Cytogenetic location: 3q29.
Variant type: single nucleotide variant.
Coding change: c.271G>C on transcript NM_032898.5 (MANE Select); coding-DNA position 271, G replaced by C.
Protein change: p.Glu91Gln; replaces glutamic acid 91 with glutamine.
Molecular consequence: missense variant.
Genome position (GRCh38, 1-based): chr3:196,707,772, C>G on the plus strand (G>C on the coding strand, the complement: CEP19 is on the minus strand). VCF-style: chr3-196707772-C-G. GRCh37 (hg19) VCF-style: chr3-196434643-C-G.
Other names: short protein forms E91Q.
Identifiers: ClinVar variation 761409 (VCV000761409.12), dbSNP rs139813132, ClinGen allele CA2782112.

ClinVar aggregate classification (germline): Benign. Review status: criteria provided, single submitter (1 of 4 stars). 2 submissions from 2 submitters: Benign (1). 1 of the submissions does not count toward it. Last evaluated 2026-01-26.

Conditions:
CEP19-related disorder. Also called: CEP19-related condition.

Allele frequency attached by ClinVar (database versions not stated): ESP Exome Variant Server 0.00008; gnomAD 0.00013 and 0.00047; TOPMed 0.00034; gnomAD exomes 0.00083 and 0.00174; ExAC 0.00210; 1000 Genomes Project 30x 0.00234; 1000 Genomes Project 0.00260.
gnomAD v4.1: 1,310 of 1,614,098 alleles (0.081%); highest among the groups gnomAD compares: South Asian, 1.1%; 22 homozygotes.

Submissions (2):

Labcorp Genetics (formerly Invitae), Labcorp
Classification: Benign. Last evaluated: 2026-01-26. Review status: criteria provided, single submitter. Criteria: Invitae Variant Classification Sherloc (09022015). Collection method: clinical testing. Allele origin: germline.

PreventionGenetics, part of Exact Sciences
Classification: Benign for CEP19-related condition. Last evaluated: 2019-10-03. Review status: no assertion criteria provided. Collection method: clinical testing. Allele origin: germline. Not counted in ClinVar's aggregate classification.
Comment: This variant is classified as benign based on ACMG/AMP sequence variant interpretation guidelines (Richards et al. 2015 PMID: 25741868, with internal and published modifications).